The following is an entry in ClinVar:

ClinVar aggregate classification (germline): Conflicting classifications of pathogenicity. Review status: criteria provided, conflicting classifications (1 of 4 stars). 9 submissions from 9 submitters: Uncertain significance (8); Likely benign (1). Last evaluated 2026-06-17.

Conditions:
Cardiovascular phenotype. Identifiers: MedGen CN230736.
TTN-related disorder. Also called: TTN-related condition; TTN-related disease; TTN-related disorders.
Dilated cardiomyopathy 1G (CMD1G). Identifiers: Orphanet 154, MedGen C1858763, MONDO:0011400, OMIM 604145.
Autosomal recessive limb-girdle muscular dystrophy type 2J (LGMDR10). Also called: Limb-girdle muscular dystrophy, type 2J; MUSCULAR DYSTROPHY, LIMB-GIRDLE, AUTOSOMAL RECESSIVE 10. Identifiers: Orphanet 140922, MedGen C1837342, MONDO:0012127, OMIM 608807.
Early-onset myopathy with fatal cardiomyopathy (CMYO5). Also called: Salih Myopathy; CONGENITAL MYOPATHY 5 WITH CARDIOMYOPATHY. Identifiers: Orphanet 289377, MedGen C2673677, MONDO:0012714, OMIM 611705. Disease mechanism: loss of function.
Hypertrophic cardiomyopathy 9. Also called: Familial hypertrophic cardiomyopathy 9. Identifiers: MedGen C1861065, MONDO:0013412, OMIM 613765.
Tibial muscular dystrophy (TMD). Also called: UDD MYOPATHY; Tibial muscular dystrophy, tardive; Udd Distal Myopathy – Tibial Muscular Dystrophy. Identifiers: Orphanet 609, MedGen C1838244, MONDO:0010870, OMIM 600334.
Myopathy, myofibrillar, 9, with early respiratory failure (MFM9). Also called: Hereditary myopathy with early respiratory failure; MYOPATHY, PROXIMAL, WITH EARLY RESPIRATORY MUSCLE INVOLVEMENT; Myopathy, distal, with early respiratory failure, autosomal dominant; EDSTROM MYOPATHY. Identifiers: Orphanet 178464, Orphanet 34521, MedGen C1863599, MONDO:0011362, OMIM 603689.

Allele frequency attached by ClinVar (database versions not stated): gnomAD exomes 0.00003 and 0.00004; ExAC 0.00004; TOPMed 0.00005; gnomAD 0.00010.
gnomAD v4.1: 64 of 1,613,328 alleles (0.004%); highest among the groups gnomAD compares: African/African-American, 0.019%; no homozygotes.

Submissions (9):

PreventionGenetics, part of Exact Sciences
Classification: Uncertain significance for TTN-related condition. Last evaluated: 2026-06-17. Review status: criteria provided, single submitter. Criteria: ACMG Guidelines, 2015. Collection method: clinical testing. Allele origin: germline.
Comment: The TTN c.67808C>T variant is predicted to result in the amino acid substitution p.Ala22603Val. This variant has been reported in an individual with ventricular fibrillation and sudden cardiac arrest requiring cardiopulmonary resuscitation; however, this individual also carried a causative variant in KCNQ1 (patient #21, Tiesmeier et al. 2021. PubMed ID: 34389451). This variant is reported in 0.017% of alleles in individuals of African descent in gnomAD. At this time, the clinical significance of this variant is uncertain due to the absence of conclusive functional and genetic evidence.

Revvity Omics, Revvity
Classification: Uncertain significance. Last evaluated: 2023-01-03. Review status: criteria provided, single submitter. Criteria: ACMG Guidelines, 2015. Collection method: clinical testing. Allele origin: germline.

Fulgent Genetics
Classification: Uncertain significance for Tibial muscular dystrophy; Myopathy, myofibrillar, 9, with early respiratory failure; Dilated cardiomyopathy 1G; Autosomal recessive limb-girdle muscular dystrophy type 2J; Early-onset myopathy with fatal cardiomyopathy; Hypertrophic cardiomyopathy 9. Last evaluated: 2021-07-30. Review status: criteria provided, single submitter. Criteria: ACMG Guidelines, 2015. Collection method: clinical testing. Allele origin: unknown.

Ambry Genetics
Classification: Uncertain significance for Cardiovascular phenotype. Last evaluated: 2020-02-05. Review status: criteria provided, single submitter. Criteria: Ambry Variant Classification Scheme 2023. Collection method: clinical testing. Allele origin: germline.
Comment: The p.A13538V variant (also known as c.40613C>T), located in coding exon 147 of the TTN gene, results from a C to T substitution at nucleotide position 40613. The alanine at codon 13538 is replaced by valine, an amino acid with similar properties. This amino acid position is not well conserved in available vertebrate species. In addition, this alteration is predicted to be tolerated by in silico analysis. Since supporting evidence is limited at this time, the clinical significance of this alteration remains unclear.

Blueprint Genetics
Classification: Likely benign. Last evaluated: 2020-02-03. Review status: criteria provided, single submitter. Criteria: ACMG Guidelines, 2015. Collection method: clinical testing. Allele origin: germline.

Eurofins Ntd Llc (ga)
Classification: Uncertain significance. Last evaluated: 2018-06-02. Review status: criteria provided, single submitter. Criteria: EGL ClinVar v180209 classification definitions. Collection method: clinical testing. Allele origin: germline. Observed: 1 variant allele, 1 heterozygote.

GeneDx
Classification: Uncertain significance. Last evaluated: 2017-01-10. Review status: criteria provided, single submitter. Criteria: GeneDx Variant Classification (06012015). Collection method: clinical testing. Allele origin: germline. Affected: yes.
Comment: Missense variants in the TTN gene are considered 'unclassified' if they are not previously reported in the literature and do not have >1% frequency in the population to be considered a polymorphism. Research indicates that truncating mutations in the TTN gene are expected to account for approximately 25% of familial and 18% of sporadic idiopathic DCM; however, truncating variants in the TTN gene have been reported in approximately 3% of reported control alleles. There has been little investigation into non-truncating variants. (Herman D et al. Truncations of titin causing dilated cardiomyopathy. N Eng J Med 366:619-628, 2012) The variant is found in CARDIOMYOPATHY panel(s).

Labcorp Genetics (formerly Invitae), Labcorp
Classification: Uncertain significance for Dilated cardiomyopathy 1G; Autosomal recessive limb-girdle muscular dystrophy type 2J. Last evaluated: 2016-10-10. Review status: criteria provided, single submitter. Criteria: Invitae Variant Classification Sherloc (09022015). Collection method: clinical testing. Allele origin: germline.

Laboratory for Molecular Medicine, Mass General Brigham Personalized Medicine
Classification: Uncertain significance. Last evaluated: 2014-07-10. Review status: criteria provided, single submitter. Criteria: LMM Criteria. Collection method: clinical testing. Allele origin: germline. Observed: 1 variant allele.
Comment: The Ala20035Val variant in TTN has not been previously reported in individuals w ith cardiomyopathy, but has been identified in 1/594 of European chromosomes by the ClinSeq Project (dbSNP rs199583938). Computational prediction tools and cons ervation analysis do not provide strong support for or against an impact to the protein. In summary, the clinical significance of the Ala20035Val variant is unc ertain.

NM_001267550.2(TTN):c.67808C>T (p.Ala22603Val)

Genes: TTN (titin; minus strand), TTN-AS1 (TTN antisense RNA 1; plus strand), LOC126806423 (CDK7 strongly-dependent group 2 enhancer GRCh37_chr2:179443309-179444508; plus strand). Cytogenetic location: 2q31.2.
Variant type: single nucleotide variant.
Coding change: c.67808C>T on transcript NM_001267550.2 (MANE Select); coding-DNA position 67808, C replaced by T.
Protein change: p.Ala22603Val; replaces alanine 22603 with valine.
Molecular consequence: missense variant.
Genome position (GRCh38, 1-based): chr2:178,579,222, G>A on the plus strand (C>T on the coding strand, the complement: TTN is on the minus strand). VCF-style: chr2-178579222-G-A. GRCh37 (hg19) VCF-style: chr2-179443949-G-A.
Other names: p.A20962V:GCG>GTG; c.40988C>T, p.Ala13663Val (NM_133432.3); c.41189C>T, p.Ala13730Val (NM_133437.4); c.62885C>T, p.Ala20962Val (NM_001256850.1); c.40613C>T, p.Ala13538Val (NM_003319.4); c.60104C>T, p.Ala20035Val (NM_133378.4); short protein forms A20035V, A22603V, A20962V, A13538V, A13730V, A13663V.
Identifiers: ClinVar variation 165879 (VCV000165879.22), dbSNP rs199583938, ClinGen allele CA178566.